The following is an entry in ClinVar:

ClinVar aggregate classification (germline): Pathogenic/Likely pathogenic. Review status: criteria provided, multiple submitters, no conflicts (2 of 4 stars). 7 submissions from 7 submitters: Pathogenic (5); Likely pathogenic (2). Last evaluated 2025-10-19.

Conditions:
Cardiovascular phenotype. Identifiers: MedGen CN230736.
Cardiomyopathy (CMYO). Also called: Cardiomyopathies. Identifiers: Orphanet 167848, MedGen C0878544, MONDO:0004994, HP:0001638. Inheritance: Various modes of inheritance.
Arrhythmogenic right ventricular cardiomyopathy (ARVD). Also called: Arrhythmogenic cardiomyopathy; Arrhythmogenic Right Ventricular Cardiomyopathy (ARVC); Cardiomyopathy, ARVC; Arrhythmogenic right ventricular dysplasia. Identifiers: Orphanet 247, MedGen C0349788, MeSH D019571, MONDO:0016587. Disease mechanism: loss of function. Inheritance: Various modes of inheritance.
Arrhythmogenic right ventricular dysplasia 9 (ARVD9). Also called: Arrhythmogenic Right Ventricular Dysplasia/Cardiomyopathy 9; ARRHYTHMOGENIC RIGHT VENTRICULAR DYSPLASIA, FAMILIAL, 9. Identifiers: MedGen C1836906, MONDO:0012180, OMIM 609040.

Allele frequency attached by ClinVar (database versions not stated): gnomAD exomes below 0.00001; ExAC 0.00001; gnomAD 0.00001; TOPMed 0.00001.

Submissions (7):

Labcorp Genetics (formerly Invitae), Labcorp
Classification: Pathogenic for Arrhythmogenic right ventricular dysplasia 9. Last evaluated: 2025-10-19. Review status: criteria provided, single submitter. Criteria: Invitae Variant Classification Sherloc (09022015). Collection method: clinical testing. Allele origin: germline.
Comment: This sequence change creates a premature translational stop signal (p.His179Alafs*37) in the PKP2 gene. It is expected to result in an absent or disrupted protein product. Loss-of-function variants in PKP2 are known to be pathogenic (PMID: 15489853, 17041889, 23911551). This variant is present in population databases (rs769220833, gnomAD 0.007%). This variant has not been reported in the literature in individuals affected with PKP2-related conditions. ClinVar contains an entry for this variant (Variation ID: 202012). For these reasons, this variant has been classified as Pathogenic.

Color Diagnostics, LLC DBA Color Health
Classification: Pathogenic for Cardiomyopathy. Last evaluated: 2025-10-09. Review status: criteria provided, single submitter. Criteria: ACMG Guidelines, 2015. Collection method: clinical testing. Allele origin: germline.
Comment: This variant inserts 1 nucleotide in exon 3 of the PKP2 gene, creating a frameshift and premature translation stop signal. This variant is expected to result in an absent or non-functional protein product. To our knowledge, this variant has not been reported in individuals affected with PKP2-related disorders in the literature. This variant has been identified in 3/1613014 chromosomes in the general population by the Genome Aggregation Database (gnomAD). Loss of PKP2 function is a known mechanism of disease. Based on the available evidence, this variant is classified as Pathogenic.

All of Us Research Program, National Institutes of Health
Classification: Pathogenic for Arrhythmogenic right ventricular cardiomyopathy. Last evaluated: 2024-09-12. Review status: criteria provided, single submitter. Criteria: ACMG Guidelines, 2015. Collection method: clinical testing. Allele origin: germline. Inheritance: Autosomal dominant inheritance. Observed: 1 variant allele, 1 heterozygote.
Comment: The c.533dup (p.His179Alafs*37) variant in PKP2 gene, that encodes for plakophilin 2, creates a premature termination codon that is predicted to lead to absent or truncated protein product. To our knowledge this variant has not been reported in individuals affected with arrhythmogenic cardiomyopathy. Loss-of-function variants are well known to be pathogenic for PKP2 gene and ClinGen score shows sufficient evidence of haploinsufficiency of this gene (PMID: 23911551, 15489853, 24704780, 29038103, 34120153). Downstream loss-of-function variants in the same exon have been reported to be pathogenic in individuals with arrhythmogenic right ventricular cardiomyopathy (PMID: 24967631, 20829228, 26569459, 26676851) and classified as pathogenic by multiple submitters in ClinVar (Variation ID: 1699158, 2735826, 202013, 280014). This variant is rare (3/1613014 chromosomes; 0.00018%) in the general population database gnomAD (v4.1.0) and classified as likely pathogenic/pathogenic by multiple submitters in ClinVar (ID: 202012). Therefore, the c.533dup (p.His179Alafs*37) variant in PKP2 gene is classified as pathogenic.

This study involves interpretation of variants in research participants for the purpose of population health screening. Participant phenotype was not available at the time of variant classification. Additional details can be found in publication PMID: 35346344, PMCID: PMC8962531

Fulgent Genetics
Classification: Likely pathogenic for Arrhythmogenic right ventricular dysplasia 9. Last evaluated: 2021-12-05. Review status: criteria provided, single submitter. Criteria: ACMG Guidelines, 2015. Collection method: clinical testing. Allele origin: unknown.

Ambry Genetics
Classification: Pathogenic for Cardiovascular phenotype. Last evaluated: 2019-11-12. Review status: criteria provided, single submitter. Criteria: Ambry Variant Classification Scheme 2023. Collection method: clinical testing. Allele origin: germline.
Comment: The c.533dupT pathogenic mutation, located in coding exon 3 of the PKP2 gene, results from a duplication of T at nucleotide position 533, causing a translational frameshift with a predicted alternate stop codon (p.H179Afs*37). This alteration is expected to result in loss of function by premature protein truncation or nonsense-mediated mRNA decay. As such, this alteration is interpreted as a disease-causing mutation.

Laboratory for Molecular Medicine, Mass General Brigham Personalized Medicine
Classification: Likely pathogenic for Arrhythmogenic right ventricular cardiomyopathy. Last evaluated: 2017-07-27. Review status: criteria provided, single submitter. Criteria: LMM Criteria. Collection method: clinical testing. Allele origin: germline. Inheritance: Autosomal dominant inheritance. Observed: 2 variant alleles.
Comment: The p.His179fs variant in PKP2 has not been previously reported in the literatur e, but has been reported in ClinVar (Variation ID: 202012). This variant has als o been identified in 1/15302 African chromosomes by the Genome Aggregation Datab ase (gnomAD; dbSNP rs769220833). This variant is predicted to cause a frameshift, which alters the protein?s amino acid sequen ce beginning at position 179 and leads to a premature termination codon 37 amino acids downstream. This alteration is then predicted to lead to a truncated or a bsent protein. Frameshift and other truncating variants in PKP2 are well-reporte d in individuals with ARVC (ARVD/C Genetic Variant Database .info; Human Gene Mutation Database). In summary, although additional studies ar e required to fully establish its clinical significance, the p.His179fs variant is likely pathogenic.

GeneDx
Classification: Pathogenic. Last evaluated: 2013-05-29. Review status: criteria provided, single submitter. Criteria: GeneDx Variant Classification (06012015). Collection method: clinical testing. Allele origin: germline. Affected: yes.
Comment: c.533dupT: p.His179AlafsX37 (H179AfsX37) in exon 3 of the PKP2 gene (NM_004572.3). The normal sequence with the base that is inserted in braces is: ACCC{T}GCAC. Although the c.533dupT mutation in the PKP2 gene has not been reported to our knowledge, this mutation causes a shift in reading frame starting at codon Histidine 179, changing it to an Alanine, and creating a premature stop codon at position 37 of the new reading frame, denoted p.His179AlafsX37. This mutation is expected to result in either an abnormal, truncated protein product or loss of protein from this allele through nonsense-mediated mRNA decay. Other frameshift mutations in the PKP2 gene have been reported in association with ARVC. The c.533dupT mutation in the PKP2 gene also has been observed in one other unrelated individuals at GeneDx. In summary, c.533dupT in the PKP2 gene is interpreted as a disease-causing mutation. Arrhythmogenic right ventricular cardiomyopathy (ARVC) is primarily an autosomal dominant disease characterized by progressive fibrofatty replacement of the myocardium that predisposes to ventricular tachycardia and sudden death (McNally E et al., 2009; Nava A et al., 2000). ARVC is most frequently caused by mutations in the genes encoding desmosomal proteins, complexes that maintain cell-to-cell connections and provide mechanical attachments among adjacent cells. Less commonly, ARVC may be caused by mutations in genes that encode proteins that maintain calcium homeostasis (McNally E et al., 2009). At least 11% of patients with autosomal dominant arrhythmogenic right ventricular cardiomyopathy were reported to have a mutation in the PKP2 gene (McNally E et al., 2009). The variant is found in ARVC panel(s).

Literature cited by the submitters: PubMed 15489853 (cited by Labcorp Genetics (formerly Invitae), Labcorp and All of Us Research Program, National Institutes of Health); PubMed 17041889 (cited by Labcorp Genetics (formerly Invitae), Labcorp); PubMed 23911551 (cited by Labcorp Genetics (formerly Invitae), Labcorp and All of Us Research Program, National Institutes of Health); PubMed 20829228 (cited by All of Us Research Program, National Institutes of Health); PubMed 24704780 (cited by All of Us Research Program, National Institutes of Health); PubMed 24967631 (cited by All of Us Research Program, National Institutes of Health); PubMed 26569459 (cited by All of Us Research Program, National Institutes of Health); PubMed 26676851 (cited by All of Us Research Program, National Institutes of Health); PubMed 29038103 (cited by All of Us Research Program, National Institutes of Health); PubMed 34120153 (cited by All of Us Research Program, National Institutes of Health).

NM_001005242.3(PKP2):c.533dup (p.His179fs)

Gene: PKP2 (plakophilin 2; minus strand). Cytogenetic location: 12p11.21.
Variant type: Duplication.
Coding change: c.533dup on transcript NM_001005242.3 (MANE Select); coding-DNA position 533, one base duplicated (T; older notation c.533dupT).
Protein change: p.His179fs; shifts the reading frame from histidine 179.
Molecular consequence: frameshift variant.
Genome position (GRCh38, 1-based): chr12:32,878,347, A duplicated on the plus strand (T on the coding strand, the reverse complement: PKP2 is on the minus strand). VCF-style (leftmost placement, unchanged base first): chr12-32878346-C-CA. GRCh37 (hg19) VCF-style: chr12-33031280-C-CA.
Other names: p.His179AlafsX37; c.533dup, p.His179fs (NM_004572.4); c.533dupT (NM_004572.3); short protein forms H179fs.
Identifiers: ClinVar variation 202012 (VCV000202012.18), dbSNP rs769220833, ClinGen allele CA308755.